The following is an entry in ClinVar:

ClinVar aggregate classification (germline): Conflicting classifications of pathogenicity. Review status: criteria provided, conflicting classifications (1 of 4 stars). 3 submissions from 3 submitters: Uncertain significance (1); Likely benign (2). Last evaluated 2025-09-04.

Conditions:
Hereditary cancer-predisposing syndrome. Also called: Neoplastic Syndromes, Hereditary; Tumor predisposition; Hereditary neoplastic syndrome; Hereditary Cancer Syndrome. Identifiers: Orphanet 140162, MedGen C0027672, MeSH D009386, MONDO:0015356.
Mitochondrial complex II deficiency, nuclear type 1. Also called: SUCCINATE CoQ REDUCTASE DEFICIENCY. Identifiers: Orphanet 3208, MedGen C5700310, MONDO:0100294, OMIM 252011.
Pheochromocytoma/paraganglioma syndrome 5. Also called: Paragangliomas 5; SDHA-Related Hereditary Paraganglioma-Pheochromocytoma Syndrome. Identifiers: Orphanet 29072, MedGen C3279992, MONDO:0013602, OMIM 614165.

Allele frequency attached by ClinVar (database versions not stated): TOPMed 0.00002; ESP Exome Variant Server 0.00015.
gnomAD v4.1: 3 of 1,613,818 alleles (0.00019%); highest among the groups gnomAD compares: African/African-American, 0.004%; no homozygotes.

Submissions (3):

Labcorp Genetics (formerly Invitae), Labcorp
Classification: Likely benign for Pheochromocytoma/paraganglioma syndrome 5; Mitochondrial complex II deficiency, nuclear type 1. Last evaluated: 2025-09-04. Review status: criteria provided, single submitter. Criteria: Invitae Variant Classification Sherloc (09022015). Collection method: clinical testing. Allele origin: germline.

Ambry Genetics
Classification: Uncertain significance for Hereditary cancer-predisposing syndrome. Last evaluated: 2025-03-13. Review status: criteria provided, single submitter. Criteria: Ambry Variant Classification Scheme 2023. Collection method: clinical testing. Allele origin: germline.
Comment: The c.1794+3G>A intronic variant results from a G to A substitution 3 nucleotides after coding exon 13 in the SDHA gene. This nucleotide position is not well conserved in available vertebrate species. In silico splice site analysis predicts that this alteration will not have any significant effect on splicing. Based on the available evidence, the clinical significance of this variant remains unclear.

Myriad Genetics, Inc.
Classification: Likely benign for Pheochromocytoma/paraganglioma syndrome 5. Last evaluated: 2025-03-11. Review status: criteria provided, single submitter. Criteria: Myriad Autosomal Dominant, Autosomal Recessive and X-Linked Classification Criteria (2023). Collection method: clinical testing. Allele origin: unknown.
Comment: This variant is considered likely benign. This variant is intronic and is not expected to impact mRNA splicing.

NM_004168.4(SDHA):c.1794+3G>A

Gene: SDHA (succinate dehydrogenase complex flavoprotein subunit A; plus strand). Cytogenetic location: 5p15.33.
Variant type: single nucleotide variant.
Coding change: c.1794+3G>A on transcript NM_004168.4 (MANE Select); 3 bases into the intron after coding-DNA position 1794, G replaced by A.
Molecular consequence: intron variant.
Genome position (GRCh38, 1-based): chr5:251,471, G>A. VCF-style: chr5-251471-G-A. GRCh37 (hg19) VCF-style: chr5-251586-G-A.
Other names: c.1552-2922G>A (NM_001330758.2); c.1650+3G>A (NM_001294332.2).
Identifiers: ClinVar variation 539669 (VCV000539669.11), dbSNP rs375883981, ClinGen allele CA3173361.